The following is an entry in ClinVar:

NM_001039591.3(USP9X):c.1115A>G (p.His372Arg)

Gene: USP9X (ubiquitin specific peptidase 9 X-linked; plus strand). Cytogenetic location: Xp11.4.
Variant type: single nucleotide variant.
Coding change: c.1115A>G on transcript NM_001039591.3 (MANE Select); coding-DNA position 1115, A replaced by G.
Protein change: p.His372Arg; replaces histidine 372 with arginine.
Molecular consequence: missense variant.
Genome position (GRCh38, 1-based): chrX:41,141,385, A>G. VCF-style: chrX-41141385-A-G. GRCh37 (hg19) VCF-style: chrX-41000638-A-G.
Other names: c.1115A>G, p.His372Arg (NM_001039590.3, NM_001410748.1, NM_001410749.1 and 1 more transcripts); short protein forms H372R.
Identifiers: ClinVar variation 4975757 (VCV004975757.1).
Genomic context (GRCh38, chrX:41,141,385, plus strand): 5'-TGAATGCACTGAATGAAGTTAATAAGGTGATATCTAGTGTATCATACTATACTCATCGAC[A>G]TGGTAATCCTGAGGAGGAAGAGTGGCTCACAGCTGAACGAATGGCAGTGAGTCTTTCAGT-3'
Protein context (NP_001034680.2, residues 362-382): ISSVSYYTHR[His372Arg]GNPEEEEWLT

ClinVar aggregate classification (germline): Uncertain significance (1 of 4 stars; one submission).

gnomAD v4.1: 2 of 1,202,560 alleles (0.00017%); highest among the groups gnomAD compares: Non-Finnish European, 0.00022%; no homozygotes.

Submission:

GeneDx
Classification: Uncertain significance. Last evaluated: 2026-01-31. Review status: criteria provided, single submitter. Criteria: GeneDx Variant Classification Process June 2021. Collection method: clinical testing. Allele origin: germline.
Comment: Not observed at significant frequency in large population cohorts (gnomAD); In silico analysis supports that this missense variant has a deleterious effect on protein structure/function; Has not been previously published as pathogenic or benign to our knowledge